The following is an entry in ClinVar:

ClinVar aggregate classification (germline): Conflicting classifications of pathogenicity. Review status: criteria provided, conflicting classifications (1 of 4 stars). 4 submissions from 4 submitters: Uncertain significance (1); Benign (1); Likely benign (2). Last evaluated 2026-01-11.

Conditions:
FG syndrome (FGS). Identifiers: MedGen C0220769, MONDO:0002010.
Familial thoracic aortic aneurysm and aortic dissection (TAAD). Also called: Thoracic aortic aneurysms and dissections. Identifiers: Orphanet 91387, MedGen C4707243, MONDO:0019625.

Allele frequency attached by ClinVar (database versions not stated): gnomAD exomes 0.00011 and 0.00026; gnomAD 0.00017; 1000 Genomes Project 30x 0.00021; ExAC 0.00024.
gnomAD v4.1: 147 of 1,200,954 alleles (0.012%); highest among the groups gnomAD compares: Non-Finnish European, 0.0024%; no homozygotes.

Submissions (4):

Labcorp Genetics (formerly Invitae), Labcorp
Classification: Uncertain significance for FG syndrome. Last evaluated: 2026-01-11. Review status: criteria provided, single submitter. Criteria: Invitae Variant Classification Sherloc (09022015). Collection method: clinical testing. Allele origin: germline.
Comment: This sequence change replaces isoleucine, which is neutral and non-polar, with valine, which is neutral and non-polar, at codon 2079 of the MED12 protein (p.Ile2079Val). The frequency data for this variant in the population databases is considered unreliable, as metrics indicate poor data quality at this position in the gnomAD database. This variant has not been reported in the literature in individuals affected with MED12-related conditions. ClinVar contains an entry for this variant (Variation ID: 213643). Invitae Evidence Modeling of protein sequence and biophysical properties (such as structural, functional, and spatial information, amino acid conservation, physicochemical variation, residue mobility, and thermodynamic stability) indicates that this missense variant is not expected to disrupt MED12 protein function with a negative predictive value of 95%. In summary, the available evidence is currently insufficient to determine the role of this variant in disease. Therefore, it has been classified as a Variant of Uncertain Significance.

Blueprint Genetics
Classification: Likely benign. Last evaluated: 2024-09-15. Review status: criteria provided, single submitter. Criteria: ACMG Guidelines, 2015. Collection method: clinical testing. Allele origin: germline.

Ambry Genetics
Classification: Likely benign for Familial thoracic aortic aneurysm and aortic dissection. Last evaluated: 2024-08-19. Review status: criteria provided, single submitter. Criteria: Ambry Variant Classification Scheme 2023. Collection method: clinical testing. Allele origin: germline.

GeneDx
Classification: Benign. Last evaluated: 2019-12-04. Review status: criteria provided, single submitter. Criteria: GeneDx Variant Classification Process June 2021. Collection method: clinical testing. Allele origin: germline. Affected: yes.

NM_005120.3(MED12):c.6235A>G (p.Ile2079Val)

Gene: MED12 (mediator complex subunit 12; plus strand). Cytogenetic location: Xq13.1.
Variant type: single nucleotide variant.
Coding change: c.6235A>G on transcript NM_005120.3 (MANE Select); coding-DNA position 6235, A replaced by G.
Protein change: p.Ile2079Val; replaces isoleucine 2079 with valine.
Molecular consequence: missense variant.
Genome position (GRCh38, 1-based): chrX:71,140,825, A>G. VCF-style: chrX-71140825-A-G. GRCh37 (hg19) VCF-style: chrX-70360675-A-G.
Other names: short protein forms I2079V.
Identifiers: ClinVar variation 213643 (VCV000213643.8), dbSNP rs200820997, ClinGen allele CA321876.
Genomic context (GRCh38, chrX:71,140,825, plus strand): 5'-CAACAGCAACAGCAGCAGCAGCAGCAACAGCAACAGCAGCAGCAGCAGCAGCAGTACCAC[A>G]TCCGGCAGCAGCAGCAGCAGCAGATCCTGCGGGTAAGGCACTGGGATTTCATCTGGGACC-3'
Protein context (NP_005111.2, residues 2069-2089): QQQQQQQQYH[Ile2079Val]RQQQQQQILR